The following is an entry in ClinVar:

NM_000069.3(CACNA1S):c.3667-7C>G

Gene: CACNA1S (calcium voltage-gated channel subunit alpha1 S; minus strand). Cytogenetic location: 1q32.1.
Variant type: single nucleotide variant.
Coding change: c.3667-7C>G on transcript NM_000069.3 (MANE Select); 7 bases into the intron before coding-DNA position 3667, C replaced by G.
Molecular consequence: intron variant.
Genome position (GRCh38, 1-based): chr1:201,053,594, G>C on the plus strand (C>G on the coding strand, the complement: CACNA1S is on the minus strand). VCF-style: chr1-201053594-G-C. GRCh37 (hg19) VCF-style: chr1-201022722-G-C.
Identifiers: ClinVar variation 2953995 (VCV002953995.4), dbSNP rs774905373, ClinGen allele CA36002794.

ClinVar aggregate classification (germline): Conflicting classifications of pathogenicity. Review status: criteria provided, conflicting classifications (1 of 4 stars). 2 submissions from 2 submitters: Uncertain significance (1); Likely benign (1). Last evaluated 2026-01-05.

Conditions:
Malignant hyperthermia, susceptibility to, 5 (MHS5). Also called: CACNA1S-Related Malignant Hyperthermia Susceptibility. Identifiers: Orphanet 423, MedGen C1866077, MONDO:0011163, OMIM 601887.
Hypokalemic periodic paralysis, type 1. Also called: Hypokalemic Periodic Paralysis Type 1 (AD); HypoPP. Identifiers: Orphanet 681, MedGen C3714580, MONDO:0042979, OMIM 170400.

Submissions (2):

Labcorp Genetics (formerly Invitae), Labcorp
Classification: Likely benign for Hypokalemic periodic paralysis, type 1; Malignant hyperthermia, susceptibility to, 5. Last evaluated: 2026-01-05. Review status: criteria provided, single submitter. Criteria: Invitae Variant Classification Sherloc (09022015). Collection method: clinical testing. Allele origin: germline.

All of Us Research Program, National Institutes of Health
Classification: Uncertain significance for Malignant hyperthermia, susceptibility to, 5. Last evaluated: 2023-11-20. Review status: criteria provided, single submitter. Criteria: ACMG Guidelines, 2015. Collection method: clinical testing. Allele origin: germline. Inheritance: Autosomal dominant inheritance. Observed: 1 variant allele, 1 heterozygote.
Comment: This variant causes a C to G nucleotide substitution at the -7 position of intron 29 of the CACNA1S gene. Splice site prediction tools are inconclusive regarding the impact of this variant on RNA splicing. To our knowledge, RNA studies have not been reported for this variant. This variant has not been reported in individuals affected with CACNA1S-related disorders in the literature. This variant has not been identified in the general population by the Genome Aggregation Database (gnomAD). The available evidence is insufficient to determine the role of this variant in disease conclusively. Therefore, this variant is classified as a Variant of Uncertain Significance.

This study involves interpretation of variants in research participants for the purpose of population health screening. Participant phenotype was not available at the time of variant classification. Additional details can be found in publication PMID: 35346344, PMCID: PMC8962531